The following is an entry in ClinVar:

NM_000603.5(NOS3):c.3314G>C (p.Cys1105Ser)

Genes: ATG9B (autophagy related 9B; minus strand), NOS3 (nitric oxide synthase 3; plus strand). Cytogenetic location: 7q36.1.
Variant type: single nucleotide variant.
Coding change: c.3314G>C on transcript NM_000603.5 (MANE Select); coding-DNA position 3314, G replaced by C.
Protein change: p.Cys1105Ser; replaces cysteine 1105 with serine.
Molecular consequence: missense variant. On other transcripts: non-coding transcript variant (2).
Genome position (GRCh38, 1-based): chr7:151,013,782, G>C. VCF-style: chr7-151013782-G-C. GRCh37 (hg19) VCF-style: chr7-150710870-G-C.
Other names: short protein forms C1105S.
Identifiers: ClinVar variation 5021038 (VCV005021038.1).

ClinVar aggregate classification (germline): Uncertain significance (1 of 4 stars; one submission).

gnomAD v4.1: 1 of 1,611,550 alleles (0.000062%); highest among the groups gnomAD compares: Non-Finnish European, 0.000085%; no homozygotes.

Submission:

Dasa
Classification: Uncertain significance. Last evaluated: 2024-12-02. Review status: criteria provided, single submitter. Criteria: DASA Assertion Criteria. Collection method: clinical testing. Allele origin: germline.
Comment: NM_000603.5(NOS3):c.3314G>C (p.Cys1105Ser) is a missense variant that results in the substitution of cysteine with serine. This variant is rare in population databases. Computational prediction algorithms are consistent with a benign effect. The currently available literature and clinical evidence are not sufficient to establish a definitive association between this variant and the reported condition. Therefore, this variant is classified as a variant of uncertain significance.